The following is an entry in ClinVar:

NM_053025.4(MYLK):c.1774G>C (p.Val592Leu)

Gene: MYLK (myosin light chain kinase; minus strand). Cytogenetic location: 3q21.1.
Variant type: single nucleotide variant.
Coding change: c.1774G>C on transcript NM_053025.4 (MANE Select); coding-DNA position 1774, G replaced by C.
Protein change: p.Val592Leu; replaces valine 592 with leucine.
Molecular consequence: missense variant.
Genome position (GRCh38, 1-based): chr3:123,722,158, C>G on the plus strand (G>C on the coding strand, the complement: MYLK is on the minus strand). VCF-style: chr3-123722158-C-G. GRCh37 (hg19) VCF-style: chr3-123441005-C-G.
Other names: c.1246G>C, p.Val416Leu (NM_001321309.2); c.1567G>C, p.Val523Leu (NM_053026.4, NM_053028.4); c.1774G>C, p.Val592Leu (NM_053027.4); short protein forms V416L, V523L, V592L.
Identifiers: ClinVar variation 3907720 (VCV003907720.1).

ClinVar aggregate classification (germline): Uncertain significance (1 of 4 stars; one submission).

Submission:

GeneDx
Classification: Uncertain significance. Last evaluated: 2024-12-31. Review status: criteria provided, single submitter. Criteria: GeneDx Variant Classification Process June 2021. Collection method: clinical testing. Allele origin: germline. Affected: yes.
Comment: Has not been previously published as pathogenic or benign to our knowledge; Not observed at significant frequency in large population cohorts (gnomAD); In silico analysis indicates that this missense variant does not alter protein structure/function